The following is an entry in ClinVar:

NM_005732.4(RAD50):c.325A>G (p.Thr109Ala)

Gene: RAD50 (RAD50 double strand break repair protein; plus strand). Cytogenetic location: 5q31.1.
Variant type: single nucleotide variant.
Coding change: c.325A>G on transcript NM_005732.4 (MANE Select); coding-DNA position 325, A replaced by G.
Protein change: p.Thr109Ala; replaces threonine 109 with alanine.
Molecular consequence: missense variant.
Genome position (GRCh38, 1-based): chr5:132,575,888, A>G. VCF-style: chr5-132575888-A-G. GRCh37 (hg19) VCF-style: chr5-131911580-A-G.
Other names: short protein forms T109A.
Identifiers: ClinVar variation 823331 (VCV000823331.4), dbSNP rs1441831346, ClinGen allele CA360931232.

ClinVar aggregate classification (germline): Uncertain significance (1 of 4 stars; one submission).

Conditions:
Hereditary cancer-predisposing syndrome. Also called: Tumor predisposition; Hereditary Cancer Syndrome; Neoplastic Syndromes, Hereditary; Hereditary neoplastic syndrome. Identifiers: Orphanet 140162, MedGen C0027672, MeSH D009386, MONDO:0015356.

Allele frequency attached by ClinVar (database versions not stated): gnomAD exomes below 0.00001.
gnomAD v4.1: 3 of 1,611,116 alleles (0.00019%); highest among the groups gnomAD compares: Non-Finnish European, 0.00017%; no homozygotes.

Submission:

Ambry Genetics
Classification: Uncertain significance for Hereditary cancer-predisposing syndrome. Last evaluated: 2019-11-18. Review status: criteria provided, single submitter. Criteria: Ambry Variant Classification Scheme 2023. Collection method: clinical testing. Allele origin: germline.
Comment: The p.T109A variant (also known as c.325A>G), located in coding exon 3 of the RAD50 gene, results from an A to G substitution at nucleotide position 325. The threonine at codon 109 is replaced by alanine, an amino acid with similar properties. This amino acid position is not well conserved in available vertebrate species. In addition, this alteration is predicted to be tolerated by in silico analysis. Since supporting evidence is limited at this time, the clinical significance of this alteration remains unclear.